The following is an entry in ClinVar:

ClinVar aggregate classification (germline): Uncertain significance. Review status: criteria provided, multiple submitters, no conflicts (2 of 4 stars). 2 submissions from 2 submitters: Uncertain significance (2). Last evaluated 2022-10-18.

Conditions:
Cardiovascular phenotype. Identifiers: MedGen CN230736.

Allele frequency attached by ClinVar (database versions not stated): gnomAD exomes below 0.00001; ExAC 0.00001.

Submissions (2):

Athena Diagnostics
Classification: Uncertain significance. Last evaluated: 2022-10-18. Review status: criteria provided, single submitter. Criteria: Athena Diagnostics Criteria. Collection method: clinical testing. Allele origin: unknown.
Comment: Available data are insufficient to determine the clinical significance of the variant at this time. The frequency of this variant in the general population is uninformative in assessment of its pathogenicity. Computational tools disagree on the variant's effect on normal protein function.

Ambry Genetics
Classification: Uncertain significance for Cardiovascular phenotype. Last evaluated: 2020-04-23. Review status: criteria provided, single submitter. Criteria: Ambry Variant Classification Scheme 2023. Collection method: clinical testing. Allele origin: germline.
Comment: The p.N18511S variant (also known as c.55532A>G), located in coding exon 153 of the TTN gene, results from an A to G substitution at nucleotide position 55532. The asparagine at codon 18511 is replaced by serine, an amino acid with highly similar properties. This amino acid position is well conserved in available vertebrate species; however, serine is the reference amino acid in other vertebrate species. In addition, this alteration is predicted to be tolerated by in silico analysis. Since supporting evidence is limited at this time, the clinical significance of this alteration remains unclear.

NM_001267550.2(TTN):c.82727A>G (p.Asn27576Ser)

Genes: TTN (titin; minus strand), TTN-AS1 (TTN antisense RNA 1; plus strand). Cytogenetic location: 2q31.2.
Variant type: single nucleotide variant.
Coding change: c.82727A>G on transcript NM_001267550.2 (MANE Select); coding-DNA position 82727, A replaced by G.
Protein change: p.Asn27576Ser; replaces asparagine 27576 with serine.
Molecular consequence: missense variant.
Genome position (GRCh38, 1-based): chr2:178,563,405, T>C on the plus strand (A>G on the coding strand, the complement: TTN is on the minus strand). VCF-style: chr2-178563405-T-C. GRCh37 (hg19) VCF-style: chr2-179428132-T-C.
Other names: c.77804A>G, p.Asn25935Ser (NM_001256850.1); c.55532A>G, p.Asn18511Ser (NM_003319.4); c.75023A>G, p.Asn25008Ser (NM_133378.4); c.55907A>G, p.Asn18636Ser (NM_133432.3); c.56108A>G, p.Asn18703Ser (NM_133437.4); c.82727A>G (NM_001267550.1); short protein forms N18511S, N27576S, N18703S, N25008S, N18636S, N25935S.
Identifiers: ClinVar variation 264244 (VCV000264244.6), dbSNP rs773621324, ClinGen allele CA1989025.
Genomic context (GRCh38, chr2:178,563,405, plus strand): 5'-TAAATTGGCTTACTCCATGCCAGGGAGACAGAAGATCTGGAAGTGTCCGTCACTTTTGGA[T>C]TGCTTGGGGGACCTGGTGGATACAAGGCATCACACGCACGGTAGAAAACAGATGGCTCAC-3'
Protein context (NP_001254479.2, residues 27566-27586): DALYPPGPPS[Asn27576Ser]PKVTDTSRSS